The following is an entry in ClinVar:

NM_013275.6(ANKRD11):c.2183T>G (p.Ile728Ser)

Gene: ANKRD11 (ankyrin repeat domain 11; minus strand). Cytogenetic location: 16q24.3.
Variant type: single nucleotide variant.
Coding change: c.2183T>G on transcript NM_013275.6 (MANE Select); coding-DNA position 2183, T replaced by G.
Protein change: p.Ile728Ser; replaces isoleucine 728 with serine.
Molecular consequence: missense variant.
Genome position (GRCh38, 1-based): chr16:89,284,359, A>C on the plus strand (T>G on the coding strand, the complement: ANKRD11 is on the minus strand). VCF-style: chr16-89284359-A-C. GRCh37 (hg19) VCF-style: chr16-89350767-A-C.
Other names: c.2183T>G, p.Ile728Ser (NM_001256182.2, NM_001256183.2); short protein forms I728S.
Identifiers: ClinVar variation 2827286 (VCV002827286.3), dbSNP rs771541337, ClinGen allele CA397162994.

ClinVar aggregate classification (germline): Uncertain significance (1 of 4 stars; one submission).

Conditions:
KBG syndrome (KBGS). Also called: ANKRD11-Related KBG Syndrome. Identifiers: Orphanet 2332, MedGen C0220687, MONDO:0007846, OMIM 148050.

Submission:

Labcorp Genetics (formerly Invitae), Labcorp
Classification: Uncertain significance for KBG syndrome. Last evaluated: 2024-10-17. Review status: criteria provided, single submitter. Criteria: Invitae Variant Classification Sherloc (09022015). Collection method: clinical testing. Allele origin: germline.
Comment: This sequence change replaces isoleucine, which is neutral and non-polar, with serine, which is neutral and polar, at codon 728 of the ANKRD11 protein (p.Ile728Ser). This variant is not present in population databases (gnomAD no frequency). This variant has not been reported in the literature in individuals affected with ANKRD11-related conditions. Invitae Evidence Modeling of protein sequence and biophysical properties (such as structural, functional, and spatial information, amino acid conservation, physicochemical variation, residue mobility, and thermodynamic stability) indicates that this missense variant is not expected to disrupt ANKRD11 protein function with a negative predictive value of 95%. In summary, the available evidence is currently insufficient to determine the role of this variant in disease. Therefore, it has been classified as a Variant of Uncertain Significance.